The following is an entry in ClinVar:

ClinVar aggregate classification (germline): Conflicting classifications of pathogenicity. Review status: criteria provided, conflicting classifications (1 of 4 stars). 5 submissions from 5 submitters: Uncertain significance (2); Likely benign (3). Last evaluated 2026-07-01.

Conditions:
SERPINB6-related disorder. Also called: SERPINB6-related condition.

Allele frequency attached by ClinVar (database versions not stated): TOPMed 0.00004; gnomAD 0.00006 and 0.00007; ESP Exome Variant Server 0.00008; gnomAD exomes 0.00016 and 0.00019; ExAC 0.00019.
gnomAD v4.1: 240 of 1,613,906 alleles (0.015%); highest among the groups gnomAD compares: Middle Eastern, 0.23%; 2 homozygotes.

Submissions (5):

CeGaT Center for Human Genetics Tuebingen
Classification: Likely benign. Last evaluated: 2026-07-01. Review status: criteria provided, single submitter. Criteria: CeGaT Center For Human Genetics Tuebingen Variant Classification Criteria Version 2. Collection method: clinical testing. Allele origin: germline. Affected: yes. Observed: 2 variant alleles.
Comment: SERPINB6: BP4

PreventionGenetics, part of Exact Sciences
Classification: Uncertain significance for SERPINB6-related condition. Last evaluated: 2026-05-27. Review status: criteria provided, single submitter. Criteria: ACMG Guidelines, 2015. Collection method: clinical testing. Allele origin: germline.
Comment: The SERPINB6 c.379G>A variant is predicted to result in the amino acid substitution p.Val127Ile. To our knowledge, this variant has not been reported in the literature. This variant is reported in 0.065% of alleles in individuals of South Asian descent in gnomAD. Although we suspect that this variant may be benign, at this time, the clinical significance of this variant is uncertain due to the absence of conclusive functional and genetic evidence.

Labcorp Genetics (formerly Invitae), Labcorp
Classification: Uncertain significance. Last evaluated: 2022-08-04. Review status: criteria provided, single submitter. Criteria: Invitae Variant Classification Sherloc (09022015). Collection method: clinical testing. Allele origin: germline.
Comment: This sequence change replaces valine, which is neutral and non-polar, with isoleucine, which is neutral and non-polar, at codon 127 of the SERPINB6 protein (p.Val127Ile). This variant is present in population databases (rs146252067, gnomAD 0.07%). This variant has not been reported in the literature in individuals affected with SERPINB6-related conditions. ClinVar contains an entry for this variant (Variation ID: 165192). Algorithms developed to predict the effect of missense changes on protein structure and function (SIFT, PolyPhen-2, Align-GVGD) all suggest that this variant is likely to be tolerated. In summary, the available evidence is currently insufficient to determine the role of this variant in disease. Therefore, it has been classified as a Variant of Uncertain Significance.

GeneDx
Classification: Likely benign. Last evaluated: 2020-11-19. Review status: criteria provided, single submitter. Criteria: GeneDx Variant Classification Process June 2021. Collection method: clinical testing. Allele origin: germline. Affected: yes.

Laboratory for Molecular Medicine, Mass General Brigham Personalized Medicine
Classification: Likely benign. Last evaluated: 2016-02-25. Review status: criteria provided, single submitter. Criteria: LMM Criteria. Collection method: clinical testing. Allele origin: germline. Observed: 2 variant alleles.
Comment: p.Val127Ile in exon 5 of SERPINB6: This variant is not expected to have clinical significance due to a lack of conservation across species, including mammals. O ther computational prediction tools suggest this variant may not impact the prot ein. It has been identified in 11/16506 South Asian chromosomes by the Exome Agg regation Consortium (ExAC; dbSNP rs146252067).

NM_004568.6(SERPINB6):c.379G>A (p.Val127Ile)

Gene: SERPINB6 (serpin family B member 6; minus strand). Cytogenetic location: 6p25.2.
Variant type: single nucleotide variant.
Coding change: c.379G>A on transcript NM_004568.6 (MANE Select); coding-DNA position 379, G replaced by A.
Protein change: p.Val127Ile; replaces valine 127 with isoleucine.
Molecular consequence: missense variant. On other transcripts: non-coding transcript variant (1).
Genome position (GRCh38, 1-based): chr6:2,954,643, C>T on the plus strand (G>A on the coding strand, the complement: SERPINB6 is on the minus strand). VCF-style: chr6-2954643-C-T. GRCh37 (hg19) VCF-style: chr6-2954877-C-T.
Other names: c.391G>A, p.Val131Ile (NM_001195291.3, NM_001374515.1); c.421G>A, p.Val141Ile (NM_001271822.2); c.436G>A, p.Val146Ile (NM_001271823.2); c.379G>A, p.Val127Ile (NM_001271824.2, NM_001271825.2, NM_001297699.2 and 2 more transcripts); c.247G>A, p.Val83Ile (NM_001374517.1); short protein forms V131I, V146I, V141I, V127I, V83I.
Identifiers: ClinVar variation 165192 (VCV000165192.33), dbSNP rs146252067, ClinGen allele CA177913.